The following is an entry in ClinVar:

ClinVar aggregate classification (germline): Uncertain significance (1 of 4 stars; one submission).

Submission:

Labcorp Genetics (formerly Invitae), Labcorp
Classification: Uncertain significance. Last evaluated: 2025-05-06. Review status: criteria provided, single submitter. Criteria: Invitae Variant Classification Sherloc (09022015). Collection method: clinical testing. Allele origin: germline.
Comment: This sequence change replaces serine, which is neutral and polar, with alanine, which is neutral and non-polar, at codon 447 of the FAM65B protein (p.Ser447Ala). This variant is not present in population databases (gnomAD no frequency). This variant has not been reported in the literature in individuals affected with FAM65B-related conditions. An algorithm developed to predict the effect of missense changes on protein structure and function outputs the following: PolyPhen-2: "Benign". The alanine amino acid residue is found in multiple mammalian species, which suggests that this missense change does not adversely affect protein function. In summary, the available evidence is currently insufficient to determine the role of this variant in disease. Therefore, it has been classified as a Variant of Uncertain Significance.

NM_001286445.3(RIPOR2):c.1276T>G (p.Ser426Ala)

Gene: RIPOR2 (RHO family interacting cell polarization regulator 2; minus strand). Cytogenetic location: 6p22.3.
Variant type: single nucleotide variant.
Coding change: c.1276T>G on transcript NM_001286445.3 (MANE Select); coding-DNA position 1276, T replaced by G.
Protein change: p.Ser426Ala; replaces serine 426 with alanine.
Molecular consequence: missense variant.
Genome position (GRCh38, 1-based): chr6:24,843,443, A>C on the plus strand (T>G on the coding strand, the complement: RIPOR2 is on the minus strand). VCF-style: chr6-24843443-A-C. GRCh37 (hg19) VCF-style: chr6-24843671-A-C.
Other names: c.1291T>G, p.Ser431Ala (NM_001286446.3); c.1189T>G, p.Ser397Ala (NM_001286447.2, NM_001346031.2, NM_001346032.2 and 1 more transcripts); c.1339T>G, p.Ser447Ala (NM_014722.5); short protein forms S397A, S426A, S431A, S447A.
Identifiers: ClinVar variation 4797075 (VCV004797075.1).